The following is an entry in ClinVar:

NM_004006.3(DMD):c.5518G>C (p.Asp1840His)

Gene: DMD (dystrophin; minus strand). Cytogenetic location: Xp21.1.
Variant type: single nucleotide variant.
Coding change: c.5518G>C on transcript NM_004006.3 (MANE Select); coding-DNA position 5518, G replaced by C.
Protein change: p.Asp1840His; replaces aspartic acid 1840 with histidine.
Molecular consequence: missense variant.
Genome position (GRCh38, 1-based): chrX:32,346,011, C>G on the plus strand (G>C on the coding strand, the complement: DMD is on the minus strand). VCF-style: chrX-32346011-C-G. GRCh37 (hg19) VCF-style: chrX-32364128-C-G.
Other names: c.5494G>C, p.Asp1832His (NM_000109.4); c.5506G>C, p.Asp1836His (NM_004009.3); c.5149G>C, p.Asp1717His (NM_004010.3); c.1495G>C, p.Asp499His (NM_004011.4); c.1486G>C, p.Asp496His (NM_004012.4); short protein forms D1840H, D1717H, D1832H, D1836H, D496H, D499H.
Identifiers: ClinVar variation 447258 (VCV000447258.7), dbSNP rs905571950, ClinGen allele CA327983788.
Genomic context (GRCh38, chrX:32,346,011, plus strand): 5'-CATTATGTTTTGTCTGTAACAGCTGCTGTTTTATCTTTATTTCCTCTCGCTTTCTCTCAT[C>G]TGTGATTCTTTGTTGTAAGTTGTCTCCTCTTTGCAACAATTCTTTTACAGTACCCTCATT-3'
Protein context (NP_003997.2, residues 1830-1850): RGDNLQQRIT[Asp1840His]ERKREEIKIK

ClinVar aggregate classification (germline): Uncertain significance. Review status: criteria provided, multiple submitters, no conflicts (2 of 4 stars). 3 submissions from 3 submitters: Uncertain significance (2). 1 of the submissions does not count toward it. Last evaluated 2021-08-30.

Conditions:
Becker muscular dystrophy (BMD). Also called: MUSCULAR DYSTROPHY, PSEUDOHYPERTROPHIC PROGRESSIVE, BECKER TYPE; Becker Muscular Dystrophy (BMD). Identifiers: Orphanet 98895, MedGen C0917713, MONDO:0010311, OMIM 300376.
Cardiomyopathy (CMYO). Also called: Cardiomyopathies. Identifiers: Orphanet 167848, MedGen C0878544, MONDO:0004994, HP:0001638. Inheritance: Various modes of inheritance.
Duchenne muscular dystrophy (DMD). Also called: MUSCULAR DYSTROPHY, PSEUDOHYPERTROPHIC PROGRESSIVE, DUCHENNE TYPE; Duchenne Muscular Dystrophy (DMD). Identifiers: Orphanet 98896, MedGen C0013264, MONDO:0010679, OMIM 310200.
Dystrophin deficiency.

Allele frequency attached by ClinVar (database versions not stated): TOPMed below 0.00001; gnomAD 0.00001; gnomAD exomes 0.00003.
gnomAD v4.1: 22 of 1,207,628 alleles (0.0018%); highest among the groups gnomAD compares: Non-Finnish European, 0.0025%; no homozygotes.

Submissions (3):

Labcorp Genetics (formerly Invitae), Labcorp
Classification: Uncertain significance for Duchenne muscular dystrophy. Last evaluated: 2021-08-30. Review status: criteria provided, single submitter. Criteria: Invitae Variant Classification Sherloc (09022015). Collection method: clinical testing. Allele origin: germline.
Comment: This sequence change replaces aspartic acid with histidine at codon 1840 of the DMD protein (p.Asp1840His). The aspartic acid residue is highly conserved and there is a moderate physicochemical difference between aspartic acid and histidine. This variant is not present in population databases (ExAC no frequency). This variant has not been reported in the literature in individuals affected with DMD-related conditions. ClinVar contains an entry for this variant (Variation ID: 447258). Algorithms developed to predict the effect of missense changes on protein structure and function (SIFT, PolyPhen-2, Align-GVGD) all suggest that this variant is likely to be disruptive. In summary, the available evidence is currently insufficient to determine the role of this variant in disease. Therefore, it has been classified as a Variant of Uncertain Significance.

Athena Diagnostics
Classification: Uncertain significance. Last evaluated: 2016-12-31. Review status: criteria provided, single submitter. Criteria: Athena Diagnostics Criteria. Collection method: clinical testing. Allele origin: germline.

Natera, Inc.
Classification: Uncertain significance for Becker muscular dystrophy; Cardiomyopathy; Duchenne muscular dystrophy; Dystrophin deficiency. Last evaluated: 2018-11-21. Review status: no assertion criteria provided. Collection method: clinical testing. Allele origin: germline. Not counted in ClinVar's aggregate classification.